The following is an entry in ClinVar:

NM_144997.7(FLCN):c.1023dup (p.Lys342fs)

Gene: FLCN (folliculin; minus strand). Cytogenetic location: 17p11.2.
Variant type: Duplication.
Coding change: c.1023dup on transcript NM_144997.7 (MANE Select); coding-DNA position 1023, one base duplicated (G; older notation c.1023dupG).
Protein change: p.Lys342fs; shifts the reading frame from lysine 342.
Molecular consequence: frameshift variant.
Genome position (GRCh38, 1-based): chr17:17,219,058, C duplicated on the plus strand (G on the coding strand, the reverse complement: FLCN is on the minus strand); the first of 2 consecutive C bases (chr17:17,219,058-17,219,059); duplicating either gives the same sequence. VCF-style (leftmost placement, unchanged base first): chr17-17219057-T-TC. GRCh37 (hg19) VCF-style: chr17-17122371-T-TC.
Other names: c.1077dup, p.Lys360fs (NM_001353229.2); c.1023dup, p.Lys342fs (NM_001353230.2, NM_001353231.2); short protein forms K342fs, K360fs.
Identifiers: ClinVar variation 4856731 (VCV004856731.1).

ClinVar aggregate classification (germline): Pathogenic (1 of 4 stars; one submission).

Conditions:
Birt-Hogg-Dube syndrome 1 (BHD1). Also called: FIBROFOLLICULOMAS WITH TRICHODISCOMAS AND ACROCHORDONS. Identifiers: Orphanet 122, MedGen CN375946, MONDO:0800445, OMIM 135150.

Submission:

Myriad Genetics, Inc.
Classification: Pathogenic for Birt-Hogg-Dube syndrome 1. Last evaluated: 2026-02-03. Review status: criteria provided, single submitter. Criteria: Myriad Autosomal Dominant, Autosomal Recessive and X-Linked Classification Criteria (2023). Collection method: clinical testing. Allele origin: unknown.
Comment: This variant is considered pathogenic. This variant creates a frameshift predicted to result in premature protein truncation.